The following is an entry in ClinVar:

ClinVar aggregate classification (germline): Benign/Likely benign. Review status: criteria provided, multiple submitters, no conflicts (2 of 4 stars). 4 submissions from 4 submitters: Benign (1); Likely benign (2). 1 of the submissions does not count toward it. Last evaluated 2025-06-11.

Conditions:
DNMT1-related disorder. Also called: DNMT1-related condition. Identifiers: MedGen CN381527.
Hereditary sensory neuropathy-deafness-dementia syndrome. Also called: Hereditary sensory neuropathy type IE; HSN IE; Hereditary Sensory and Autonomic Neuropathy Type 1E (HSAN1E); NEUROPATHY, HEREDITARY SENSORY, WITH HEARING LOSS AND DEMENTIA. Identifiers: Orphanet 456318, MedGen C3279885, MONDO:0013584, OMIM 614116.

Allele frequency attached by ClinVar (database versions not stated): gnomAD 0.00003 and 0.00004; TOPMed 0.00004; ESP Exome Variant Server 0.00008; gnomAD exomes 0.00008; ExAC 0.00009.
gnomAD v4.1: 40 of 1,614,056 alleles (0.0025%); highest among the groups gnomAD compares: East Asian, 0.06%; no homozygotes.

Submissions (4):

Labcorp Genetics (formerly Invitae), Labcorp
Classification: Likely benign for Hereditary sensory neuropathy-deafness-dementia syndrome. Last evaluated: 2025-06-11. Review status: criteria provided, single submitter. Criteria: Invitae Variant Classification Sherloc (09022015). Collection method: clinical testing. Allele origin: germline.

Blueprint Genetics
Classification: Likely benign. Last evaluated: 2024-07-25. Review status: criteria provided, single submitter. Criteria: ACMG Guidelines, 2015. Collection method: clinical testing. Allele origin: germline.

GeneDx
Classification: Benign. Last evaluated: 2020-08-14. Review status: criteria provided, single submitter. Criteria: GeneDx Variant Classification Process June 2021. Collection method: clinical testing. Allele origin: germline. Affected: yes.

PreventionGenetics, part of Exact Sciences
Classification: Likely benign for DNMT1-related condition. Last evaluated: 2024-08-14. Review status: no assertion criteria provided. Collection method: clinical testing. Allele origin: germline. Not counted in ClinVar's aggregate classification.
Comment: This variant is classified as likely benign based on ACMG/AMP sequence variant interpretation guidelines (Richards et al. 2015 PMID: 25741868, with internal and published modifications).

NM_001130823.3(DNMT1):c.3186C>T (p.Asp1062=)

Gene: DNMT1 (DNA methyltransferase 1; minus strand). Cytogenetic location: 19p13.2.
Variant type: single nucleotide variant.
Coding change: c.3186C>T on transcript NM_001130823.3 (MANE Select); coding-DNA position 3186, C replaced by T.
Protein change: p.Asp1062=; no amino-acid change (aspartic acid 1062 retained).
Molecular consequence: synonymous variant.
Genome position (GRCh38, 1-based): chr19:10,142,151, G>A on the plus strand (C>T on the coding strand, the complement: DNMT1 is on the minus strand). VCF-style: chr19-10142151-G-A. GRCh37 (hg19) VCF-style: chr19-10252827-G-A.
Other names: c.3138C>T, p.Asp1046= (NM_001318730.2, NM_001379.4); c.2823C>T, p.Asp941= (NM_001318731.2); c.3186C>T (NM_001130823.2, LRG_362t1).
Identifiers: ClinVar variation 511323 (VCV000511323.53), dbSNP rs138736029, ClinGen allele CA9187822.